The following is an entry in ClinVar:

ClinVar aggregate classification (germline): Pathogenic. Review status: criteria provided, multiple submitters, no conflicts (2 of 4 stars). 2 submissions from 2 submitters: Pathogenic (2). Last evaluated 2024-03-02.

Conditions:
Deficiency of alpha-mannosidase (MANSA). Also called: Mannosidosis, alpha-, types I and II; LYSOSOMAL ALPHA-D-MANNOSIDASE DEFICIENCY; Alpha-Mannosidosis. Identifiers: Orphanet 61, MedGen C0024748, MONDO:0009561, OMIM 248500.

Allele frequency attached by ClinVar (database versions not stated): ExAC 0.00001; gnomAD exomes 0.00002.

Submissions (2):

Baylor Genetics
Classification: Pathogenic for Deficiency of alpha-mannosidase. Last evaluated: 2024-03-02. Review status: criteria provided, single submitter. Criteria: ACMG Guidelines, 2015. Collection method: clinical testing. Allele origin: unknown.

Labcorp Genetics (formerly Invitae), Labcorp
Classification: Pathogenic for Deficiency of alpha-mannosidase. Last evaluated: 2023-02-13. Review status: criteria provided, single submitter. Criteria: Invitae Variant Classification Sherloc (09022015). Collection method: clinical testing. Allele origin: germline.
Comment: This premature translational stop signal has been observed in individual(s) with alpha-mannosidosis (PMID: 22161967). For these reasons, this variant has been classified as Pathogenic. This variant is present in population databases (rs746868162, gnomAD 0.0009%). This sequence change creates a premature translational stop signal (p.Val81Trpfs*76) in the MAN2B1 gene. It is expected to result in an absent or disrupted protein product. Loss-of-function variants in MAN2B1 are known to be pathogenic (PMID: 9915946, 22161967).

Literature cited by the submitters: PubMed 22161967 (cited by Labcorp Genetics (formerly Invitae), Labcorp); PubMed 9915946 (cited by Labcorp Genetics (formerly Invitae), Labcorp).

NM_000528.4(MAN2B1):c.241del (p.Val81fs)

Gene: MAN2B1 (mannosidase alpha class 2B member 1; minus strand). Cytogenetic location: 19p13.13.
Variant type: Deletion.
Coding change: c.241del on transcript NM_000528.4 (MANE Select); coding-DNA position 241, one base deleted (G; older notation c.241delG).
Protein change: p.Val81fs; shifts the reading frame from valine 81.
Molecular consequence: frameshift variant.
Genome position (GRCh38, 1-based): chr19:12,665,724, C deleted on the plus strand (G on the coding strand, the reverse complement: MAN2B1 is on the minus strand). VCF-style (leftmost placement, unchanged base first): chr19-12665723-AC-A. GRCh37 (hg19) VCF-style: chr19-12776537-AC-A.
Other names: c.241del, p.Val81fs (NM_001173498.2); short protein forms V81fs.
Identifiers: ClinVar variation 2676425 (VCV002676425.5), dbSNP rs746868162, ClinGen allele CA9226874.